The following continues an entry in ClinVar:

NM_138694.4(PKHD1):c.3761_3762delinsG (p.Ala1254fs)

Gene: PKHD1. ClinVar aggregate classification (germline): Pathogenic. Pathogenic (16).

Submissions 12 to 17 of 17:

Women's Health and Genetics/Laboratory Corporation of America, LabCorp
Classification: Pathogenic for Autosomal recessive polycystic kidney disease. Last evaluated: 2019-05-31. Review status: criteria provided, single submitter. Criteria: LabCorp Variant Classification Summary - May 2015. Collection method: clinical testing. Allele origin: germline.
Comment: Variant summary: PKHD1 c.3761_3762delinsG (p.Ala1254GlyfsX49) results in a premature termination codon, predicted to cause a truncation of the encoded protein or absence of the protein due to nonsense mediated decay, which are commonly known mechanisms for disease. Truncations downstream of this position have been classified as pathogenic by our laboratory. The variant allele was found at a frequency of 8e-06 in 251498 control chromosomes. c.3761_3762delinsG has been reported in the literature in multiple individuals affected with Polycystic Kidney and Hepatic Disease (homozygous and compound heterozygous individuals), and authors indicate the variant is a Ashkenazi Jewish founder mutation. Three clinical diagnostic laboratories have submitted clinical-significance assessments for this variant to ClinVar after 2014 without evidence for independent evaluation. All laboratories classified the variant as pathogenic. Based on the evidence outlined above, the variant was classified as pathogenic.

Laboratory for Molecular Medicine, Mass General Brigham Personalized Medicine
Classification: Pathogenic for Autosomal recessive polycystic kidney disease. Last evaluated: 2018-12-06. Review status: criteria provided, single submitter. Criteria: LMM Criteria. Collection method: clinical testing. Allele origin: germline. Inheritance: Autosomal recessive inheritance. Observed: 2 variant alleles.
Comment: The p.Ala1254GlyfsX49 variant in PKHD1 has been reported in the homozygous or co mpound heterozygous state in at least 10 individuals with polycystic kidney dise ase and segregated with disease in 1 affected relative (Onuchic 2002, Furu 2003, Rossetti 2003, Sharp 2005, Quint 2016). It has also been identified in 0.7% (73 /10332) of Ashkenazi Jewish and 0.12% (43/35412) of Latino chromosomes by gnomAD. This variant is predicted to cause a frames hift, which alters the protein?s amino acid sequence beginning at position 1254 and leads to a premature termination codon 49 amino acids downstream. This alter ation is then predicted to lead to a truncated or absent protein. Loss of functi on of the PKHD1 gene is an established disease mechanism in autosomal recessive polycystic kidney disease. In summary, this variant meets criteria to be classif ied as pathogenic for autosomal recessive polycystic kidney disease. ACMG/AMP Cr iteria applied: PVS1, PM3_Very Strong; PP1.

Illumina Laboratory Services, Illumina
Classification: Pathogenic for Polycystic kidney disease 4. Last evaluated: 2018-10-22. Review status: criteria provided, single submitter. Criteria: ICSL Variant Classification Criteria 09 May 2019. Collection method: clinical testing. Allele origin: germline.
Comment: The PKHD1 c.3761_3762delCCinsG (p.Ala1254GlyfsTer49) variant is a frameshift variant that is predicted to cause premature truncation of the protein. The p.Ala1254GlyfsTer49 variant has been reported in six studies and in a total of 18 individuals with autosomal recessive polycystic kidney disease, including in three in a homozygous state, in 14 in a compound heterozygous state, and in one in a heterozygous state (Onuchic et al. 2002; Rossetti et al. 2003; Furu et al. 2003; Bergmann et al. 2005; Sharp et al. 2005; Gunay-Aygun et al. 2010). The p.Ala1254GlyfsTer49 variant was absent from 510 control individuals and is not reported in the Exome Aggregation Consortium or Exome Sequencing Project or 1000 Genomes, in a region with good coverage, hence it is presumed to be rare. Based on the collective evidence, the p.Ala1254GlyfsTer49 variant is classified as pathogenic for autosomal recessive polycystic kidney disease. This variant was observed by ICSL as part of a predisposition screen in an ostensibly healthy population.

Victorian Clinical Genetics Services, Murdoch Childrens Research Institute
Classification: Pathogenic for Polycystic kidney disease 4. Last evaluated: 2018-06-21. Review status: criteria provided, single submitter. Criteria: ACMG Guidelines, 2015. Collection method: clinical testing. Allele origin: unknown. Affected: yes.
Comment: A heterozygous frameshift deletion-insertion variant, NM_138694.3(PKHD1):c.3761_3762delinsG, has been identified in exon 32 of 37 of the PKHD1 gene. This deletion-insertion is predicted to create a frameshift starting at amino acid position 1254, introducing a stop codon 49 residues downstream (NP_619639.3(PKHD1):p.(Ala1254Glyfs*49)). This variant is predicted to result in loss of protein function either through truncation (including the loss of multiple domains) or nonsense-mediated decay, which is a reported mechanism of pathogenicity for this gene. The variant is present in the gnomAD database at a frequency of 0.04% (126/276402 heterozygotes and 0 homozygote). The variant has previously been described as pathogenic multiple times in families with polycystic kidney disease (ClinVar, Gunay-Aygun M. et al. (2010), Rosetti S. et al. (2003), Bergmann C. et al. (2005)). Furthermore, this variant has been reported as the founder mutation in the Ashkenazi population (Quint A. et al. 2016). Based on the information available at the time of curation, this variant has been classified as PATHOGENIC.

Eurofins Ntd Llc (ga)
Classification: Pathogenic. Last evaluated: 2014-04-03. Review status: criteria provided, single submitter. Criteria: EGL Classification Definitions. Collection method: clinical testing. Allele origin: germline. Observed: 11 variant alleles, 11 heterozygotes.

Hadassah Hebrew University Medical Center
Classification: Pathogenic for Polycystic kidney disease 4. Review status: no assertion criteria provided. Collection method: clinical testing. Allele origin: germline. Inheritance: Autosomal recessive inheritance. Affected: yes and no. Observed: 14 variant alleles, 9 heterozygotes, 1 compound heterozygote, 4 homozygotes. Clinical features observed: AR polycystic kidney disease. Not counted in ClinVar's aggregate classification.

Literature cited by the submitters: PubMed 22034641 (cited by Natera, Inc. and New York Genome Center); PubMed 12846734 (cited by 7 submitters); PubMed 15805161 (cited by 7 submitters); PubMed 20301501 (cited by Rady Children's Institute for Genomic Medicine, Rady Children's Hospital San Diego); PubMed 20413436 (cited by 3 submitters); PubMed 11898128 (cited by 7 submitters); PubMed 12874454 (cited by 6 submitters); PubMed 15108277 (cited by Mayo Clinic Laboratories, Mayo Clinic and Myriad Genetics, Inc.); PubMed 15698423 (cited by 3 submitters); PubMed 19914852 (cited by 5 submitters); PubMed 24162162 (cited by Mayo Clinic Laboratories, Mayo Clinic); PubMed 26721323 (cited by 7 submitters); PubMed 35315053 (cited by Mayo Clinic Laboratories, Mayo Clinic); PubMed 35368817 (cited by Mayo Clinic Laboratories, Mayo Clinic and New York Genome Center); PubMed 36239278 (cited by Mayo Clinic Laboratories, Mayo Clinic); PubMed 32939031 (cited by New York Genome Center); PubMed 31980526 (cited by Labcorp Genetics (formerly Invitae), Labcorp); PubMed 19940839 (cited by Labcorp Genetics (formerly Invitae), Labcorp).